The following is an entry in ClinVar:

ClinVar aggregate classification (germline): Uncertain significance (1 of 4 stars; one submission).

Conditions:
ADCY3-related disorder. Also called: ADCY3-related condition.

Submission:

PreventionGenetics, part of Exact Sciences
Classification: Uncertain significance for ADCY3-related condition. Last evaluated: 2025-08-12. Review status: criteria provided, single submitter. Criteria: ACMG Guidelines, 2015. Collection method: clinical testing. Allele origin: germline.
Comment: The ADCY3 c.3G>A variant is predicted to disrupt the translation initiation site (Start loss). To our knowledge, this variant has not been reported in the literature or in a large population database (gnomAD), indicating this variant is rare. At this time, the clinical significance of this variant is uncertain due to the absence of conclusive functional and genetic evidence.

NM_004036.5(ADCY3):c.3G>A (p.Met1Ile)

Gene: ADCY3 (adenylate cyclase 3; minus strand). Cytogenetic location: 2p23.3.
Variant type: single nucleotide variant.
Coding change: c.3G>A on transcript NM_004036.5 (MANE Select); coding-DNA position 3, G replaced by A.
Protein change: p.Met1Ile; changes the start codon (methionine 1).
Molecular consequence: missense variant, initiator codon variant.
Genome position (GRCh38, 1-based): chr2:24,918,985, C>T on the plus strand (G>A on the coding strand, the complement: ADCY3 is on the minus strand). VCF-style: chr2-24918985-C-T. GRCh37 (hg19) VCF-style: chr2-25141854-C-T.
Other names: c.3G>A, p.Met1Ile (NM_001320613.2, NM_001377128.1, NM_001377129.1 and 2 more transcripts); short protein forms M1I.
Identifiers: ClinVar variation 4981325 (VCV004981325.1).